The following is an entry in ClinVar:

NM_053025.4(MYLK):c.3458G>A (p.Cys1153Tyr)

Gene: MYLK (myosin light chain kinase; minus strand). Cytogenetic location: 3q21.1.
Variant type: single nucleotide variant.
Coding change: c.3458G>A on transcript NM_053025.4 (MANE Select); coding-DNA position 3458, G replaced by A.
Protein change: p.Cys1153Tyr; replaces cysteine 1153 with tyrosine.
Molecular consequence: missense variant.
Genome position (GRCh38, 1-based): chr3:123,692,842, C>T on the plus strand (G>A on the coding strand, the complement: MYLK is on the minus strand). VCF-style: chr3-123692842-C-T. GRCh37 (hg19) VCF-style: chr3-123411689-C-T.
Other names: c.3251G>A, p.Cys1084Tyr (NM_053028.4, NM_053026.4); c.3458G>A, p.Cys1153Tyr (NM_053027.4); c.2930G>A, p.Cys977Tyr (NM_001321309.2); short protein forms C1153Y, C977Y, C1084Y.
Identifiers: ClinVar variation 2561212 (VCV002561212.3), dbSNP rs930753424, ClinGen allele CA82940457.
Genomic context (GRCh38, chr3:123,692,842, plus strand): 5'-TTGGCTACACACTTGTATAAGCCTCTGTCCTCAGGCAGTGCCTTCTCGATGGAGACGGAG[C>T]AGAGTGAGCCTGGGGAGGAAGAATTGTGGAGTGAACCAGGTGTGGTCGTAGTACCTGCCC-3'
Protein context (NP_444253.3, residues 1143-1163): FIILSQEGSL[Cys1153Tyr]SVSIEKALPE

ClinVar aggregate classification (germline): Uncertain significance. Review status: criteria provided, multiple submitters, no conflicts (2 of 4 stars). 2 submissions from 2 submitters: Uncertain significance (2). Last evaluated 2025-05-19.

Conditions:
Aortic aneurysm, familial thoracic 7 (AAT7). Also called: AORTIC DISSECTION, FAMILIAL, WITH OR WITHOUT AORTIC ANEURYSM. Identifiers: MedGen C3151077, MONDO:0013418, OMIM 613780.
Familial thoracic aortic aneurysm and aortic dissection (TAAD). Also called: Thoracic aortic aneurysms and dissections. Identifiers: Orphanet 91387, MedGen C4707243, MONDO:0019625.

Allele frequency attached by ClinVar (database versions not stated): gnomAD exomes below 0.00001; TOPMed below 0.00001; gnomAD 0.00001.
gnomAD v4.1: 4 of 1,613,630 alleles (0.00025%); highest among the groups gnomAD compares: African/African-American, 0.0053%; no homozygotes.

Submissions (2):

Labcorp Genetics (formerly Invitae), Labcorp
Classification: Uncertain significance for Aortic aneurysm, familial thoracic 7. Last evaluated: 2025-05-19. Review status: criteria provided, single submitter. Criteria: Invitae Variant Classification Sherloc (09022015). Collection method: clinical testing. Allele origin: germline.
Comment: This sequence change replaces cysteine, which is neutral and slightly polar, with tyrosine, which is neutral and polar, at codon 1153 of the MYLK protein (p.Cys1153Tyr). This variant is present in population databases (no rsID available, gnomAD 0.007%). This variant has not been reported in the literature in individuals affected with MYLK-related conditions. ClinVar contains an entry for this variant (Variation ID: 2561212). Invitae Evidence Modeling of protein sequence and biophysical properties (such as structural, functional, and spatial information, amino acid conservation, physicochemical variation, residue mobility, and thermodynamic stability) indicates that this missense variant is not expected to disrupt MYLK protein function with a negative predictive value of 80%. In summary, the available evidence is currently insufficient to determine the role of this variant in disease. Therefore, it has been classified as a Variant of Uncertain Significance.

Ambry Genetics
Classification: Uncertain significance for Familial thoracic aortic aneurysm and aortic dissection. Last evaluated: 2023-06-01. Review status: criteria provided, single submitter. Criteria: Ambry Variant Classification Scheme 2023. Collection method: clinical testing. Allele origin: germline.
Comment: The p.C1153Y variant (also known as c.3458G>A), located in coding exon 16 of the MYLK gene, results from a G to A substitution at nucleotide position 3458. The cysteine at codon 1153 is replaced by tyrosine, an amino acid with highly dissimilar properties. This amino acid position is conserved. In addition, this alteration is predicted to be tolerated by in silico analysis. Since supporting evidence is limited at this time, the clinical significance of this alteration remains unclear.